The following is an entry in ClinVar:

ClinVar aggregate classification (germline): Uncertain significance (1 of 4 stars; one submission).

Conditions:
Inflammatory skin and bowel disease, neonatal, 1. Identifiers: Orphanet 294023, MedGen C3280501, MONDO:0013693, OMIM 614328.

Submission:

Labcorp Genetics (formerly Invitae), Labcorp
Classification: Uncertain significance for Inflammatory skin and bowel disease, neonatal, 1. Last evaluated: 2023-09-06. Review status: criteria provided, single submitter. Criteria: Invitae Variant Classification Sherloc (09022015). Collection method: clinical testing. Allele origin: germline.
Comment: In summary, the available evidence is currently insufficient to determine the role of this variant in disease. Therefore, it has been classified as a Variant of Uncertain Significance. An algorithm developed to predict the effect of missense changes on protein structure and function (PolyPhen-2) suggests that this variant is likely to be tolerated. This variant has not been reported in the literature in individuals affected with ADAM17-related conditions. This variant is not present in population databases (gnomAD no frequency). This sequence change replaces histidine, which is basic and polar, with glutamine, which is neutral and polar, at codon 756 of the ADAM17 protein (p.His756Gln).

NM_003183.6(ADAM17):c.2268C>G (p.His756Gln)

Genes: ADAM17 (ADAM metallopeptidase domain 17; minus strand), IAH1 (isoamyl acetate hydrolyzing esterase 1 (putative); plus strand). Cytogenetic location: 2p25.1.
Variant type: single nucleotide variant.
Coding change: c.2268C>G on transcript NM_003183.6 (MANE Select); coding-DNA position 2268, C replaced by G.
Protein change: p.His756Gln; replaces histidine 756 with glutamine.
Molecular consequence: missense variant.
Genome position (GRCh38, 1-based): chr2:9,490,384, G>C on the plus strand (C>G on the coding strand, the complement: ADAM17 is on the minus strand). VCF-style: chr2-9490384-G-C. GRCh37 (hg19) VCF-style: chr2-9630513-G-C.
Other names: c.1608C>G, p.His536Gln (NM_001382777.1); c.1371C>G, p.His457Gln (NM_001382778.1); short protein forms H457Q, H756Q, H536Q.
Identifiers: ClinVar variation 2755534 (VCV002755534.3), dbSNP rs2531056610, ClinGen allele CA345794597.
Genomic context (GRCh38, chr2:9,490,384, plus strand): 5'-CCCATCCTCGTCCATATGTGAGTCTGTGCTGGGGTCTTCCTGGATGGTGTCCATTCTCTG[G>C]TGGTCCAGTTTTGGAGCTGCTGGCGCCGAAGGGATCACAGGGGCAGGCTGCAGGCGGCCT-3'
Protein context (NP_003174.3, residues 746-766): PSAPAAPKLD[His756Gln]QRMDTIQEDP